The following is an entry in ClinVar:

ClinVar aggregate classification (germline): Likely benign. Review status: reviewed by expert panel (3 of 4 stars). 3 submissions from 3 submitters: Likely benign (1). 2 of the submissions do not count toward it. Last evaluated 2026-01-28.

Conditions:
CDKL5 disorder. Identifiers: MedGen CN296942, MONDO:0100039.
Developmental and epileptic encephalopathy, 2 (DEE2). Also called: INFANTILE SPASM SYNDROME, X-LINKED 2; CDKL5 deficiency disorder. Identifiers: Orphanet 1934, Orphanet 3451, Orphanet 505652, MedGen C4750718, MONDO:0010396, OMIM 300672.
Angelman syndrome-like. Identifiers: MedGen CN128785.

Allele frequency attached by ClinVar (database versions not stated): gnomAD exomes below 0.00001 and 0.00002; gnomAD 0.00001; ExAC 0.00006; TOPMed 0.00001.
gnomAD v4.1: 4 of 1,210,420 alleles (0.00033%); highest among the groups gnomAD compares: Admixed American, 0.0087%; no homozygotes.

Submissions (3):

ClinGen Rett and Angelman-like Disorders Variant Curation Expert Panel
Classification: Likely benign for CDKL5 disorder. Last evaluated: 2026-01-28. Review status: reviewed by expert panel. Criteria: ClinGen RettAS ACMG Specifications CDKL5 V5.0.0. Collection method: curation. Allele origin: germline. Inheritance: X-linked inheritance.
Comment: RS1 (NM_000330.4) and an alternative transcript of CDKL5 (NM_003159.2) are overlapping transcripts; however, these variants are in the noncoding 3' region of the main CDKL5 transcript (NM_001323289.2). The c.*21745T>C variant has been observed in at least 2 unaffected individuals (GeneDx- internal database) (BS2). The c.*21745T>C variant is found in a patient with an alternate molecular basis of disease (Labcorp Genetics (formerly Invitae)- internal database) (BP5). The highest population minor allele frequency of the c.*21745T>C variant in CDKL5 in gnomAD v4.1 is 0.00008721 in the Admixed American population, but this variant has not been observed in any single population (not sufficient to meet BS1 criteria). The the splice site predictor SpliceAI indicated that the variant has no impact on splicing, evidence that does not predict a damaging effect on CDKL5 function (BP4). The c.*21745T>C variant is not currently published and is not present in additional databases (internal and publicly available), therefore, no additional criteria are applicable at this time. In summary, the c.*21745T>C variant in CDKL5 is classified as likely benign based on the ACMG/AMP criteria (BS2, BP4, BP5). (CDKL5 Specifications v.5.1; curation approved on 01/28/2026)

Labcorp Genetics (formerly Invitae), Labcorp
Classification: Uncertain significance for Developmental and epileptic encephalopathy, 2; Angelman syndrome-like. Last evaluated: 2025-12-27. Review status: criteria provided, single submitter. Criteria: Invitae Variant Classification Sherloc (09022015). Collection method: clinical testing. Allele origin: germline. Not counted in ClinVar's aggregate classification.
Comment: This sequence change replaces tyrosine, which is neutral and polar, with histidine, which is basic and polar, at codon 964 of the CDKL5 protein (p.Tyr964His). This variant is present in population databases (rs781435432, gnomAD 0.01%). This variant has not been reported in the literature in individuals affected with CDKL5-related conditions. ClinVar contains an entry for this variant (Variation ID: 1204725). Invitae Evidence Modeling of protein sequence and biophysical properties (such as structural, functional, and spatial information, amino acid conservation, physicochemical variation, residue mobility, and thermodynamic stability) indicates that this missense variant is not expected to disrupt CDKL5 protein function with a negative predictive value of 95%. In summary, the available evidence is currently insufficient to determine the role of this variant in disease. Therefore, it has been classified as a Variant of Uncertain Significance.

GeneDx
Classification: Likely benign. Last evaluated: 2021-05-18. Review status: criteria provided, single submitter. Criteria: GeneDx Variant Classification Process June 2021. Collection method: clinical testing. Allele origin: germline. Affected: yes. Not counted in ClinVar's aggregate classification.

NM_003159.3(CDKL5):c.2890T>C (p.Tyr964His)

Genes: CDKL5 (cyclin dependent kinase like 5; plus strand), RS1 (retinoschisin 1; minus strand). Cytogenetic location: Xp22.13.
Variant type: single nucleotide variant.
Coding change: c.2890T>C on transcript NM_003159.3; coding-DNA position 2890, T replaced by C.
Protein change: p.Tyr964His; replaces tyrosine 964 with histidine.
Molecular consequence: missense variant. On other transcripts: intron variant (1).
Genome position (GRCh38, 1-based): chrX:18,650,502, T>C. VCF-style: chrX-18650502-T-C. GRCh37 (hg19) VCF-style: chrX-18668622-T-C.
Other names: NM_003159.3(CDKL5):c.2890T>C; p.Tyr964His; c.2890T>C, p.Tyr964His (NM_001037343.2); c.185-3170A>G (NM_000330.4); short protein forms Y964H.
Identifiers: ClinVar variation 1204725 (VCV001204725.11), dbSNP rs781435432, ClinGen allele CA10360743.